The following is an entry in ClinVar:

ClinVar aggregate classification (germline): Likely pathogenic. Review status: criteria provided, multiple submitters, no conflicts (2 of 4 stars). 3 submissions from 3 submitters: Likely pathogenic (3). Last evaluated 2025-09-09.

Conditions:
Combined oxidative phosphorylation deficiency 35 (COXPD35). Identifiers: MedGen C4693466, MONDO:0054742, OMIM 617873.

Allele frequency attached by ClinVar (database versions not stated): gnomAD exomes below 0.00001 and 0.00001; ExAC 0.00001; gnomAD 0.00001; TOPMed 0.00001.
gnomAD v4.1: 6 of 1,613,160 alleles (0.00037%); highest among the groups gnomAD compares: African/African-American, 0.0027%; no homozygotes.

Submissions (3):

GeneDx
Classification: Likely pathogenic. Last evaluated: 2025-09-09. Review status: criteria provided, single submitter. Criteria: GeneDx Variant Classification Process June 2021. Collection method: clinical testing. Allele origin: germline. Affected: yes.
Comment: In silico analysis supports that this missense variant has a deleterious effect on protein structure/function; Not observed at significant frequency in large population cohorts (gnomAD); This variant is associated with the following publications: (PMID: 36768505, Cheon (2022)_ article, 32948376)

Labcorp Genetics (formerly Invitae), Labcorp
Classification: Likely pathogenic. Last evaluated: 2023-11-14. Review status: criteria provided, single submitter. Criteria: Invitae Variant Classification Sherloc (09022015). Collection method: clinical testing. Allele origin: germline.
Comment: This sequence change replaces glutamic acid, which is acidic and polar, with lysine, which is basic and polar, at codon 409 of the TRIT1 protein (p.Glu409Lys). This variant is present in population databases (rs764506732, gnomAD 0.008%). This missense change has been observed in individual(s) with TRIT1-related conditions (PMID: 32948376). In at least one individual the data is consistent with being in trans (on the opposite chromosome) from a pathogenic variant. It has also been observed to segregate with disease in related individuals. This variant is also known as c.979G>A (p.Glu327Lys). ClinVar contains an entry for this variant (Variation ID: 1201174). Advanced modeling of protein sequence and biophysical properties (such as structural, functional, and spatial information, amino acid conservation, physicochemical variation, residue mobility, and thermodynamic stability) performed at Invitae indicates that this missense variant is expected to disrupt TRIT1 protein function with a positive predictive value of 80%. In summary, the currently available evidence indicates that the variant is pathogenic, but additional data are needed to prove that conclusively. Therefore, this variant has been classified as Likely Pathogenic.

Neuberg Centre For Genomic Medicine, NCGM
Classification: Likely pathogenic for Combined oxidative phosphorylation deficiency 35. Last evaluated: 2023-05-20. Review status: criteria provided, single submitter. Criteria: ACMG Guidelines, 2015. Collection method: clinical testing. Allele origin: germline. Inheritance: Autosomal recessive inheritance. Affected: yes.
Comment: The observed missense variant c.1225G>A(p.Glu409Lys) in TRIT1 gene has been reported previously in compound heterozygousstate in siblings with Combined oxidative phosphorylation deficiency (Yoo S, et al., 2021). Protein structure analysis revealed thatthis variant disrupts the conformation and electrostatic charge of the zinc-finger motif in the tRNA isopentenyltransferase (IPT),impairing binding of the mutant IPT to specific DNA sequences (Yoo S, et al., 2021).The c.1225G>A variant has 0.001% allele frequencyin gnomAD Exomes. This variant has been reported to the ClinVar database as Likely Pathogenic. Multiple lines of computationalevidence (Polyphen, SIFT and Mutation Taster) predict a damaging effect on protein structure and function for this variant. Theamino acid Glutamine at position 409 is changed to a Lysine changing protein sequence and it might alter its composition andphysico-chemical properties. The amino acid change p.Glu409Lys in TRIT1 is predicted as conserved by GERP++ and PhyloP across100 vertebrates. For these reasons, this variant has been classified as Likely Pathogenic.

Literature cited by the submitters: PubMed 32948376 (cited by Labcorp Genetics (formerly Invitae), Labcorp).

NM_017646.6(TRIT1):c.1225G>A (p.Glu409Lys)

Gene: TRIT1 (tRNA isopentenyltransferase 1; minus strand). Cytogenetic location: 1p34.2.
Variant type: single nucleotide variant.
Coding change: c.1225G>A on transcript NM_017646.6 (MANE Select); coding-DNA position 1225, G replaced by A.
Protein change: p.Glu409Lys; replaces glutamic acid 409 with lysine.
Molecular consequence: missense variant.
Genome position (GRCh38, 1-based): chr1:39,844,110, C>T on the plus strand (G>A on the coding strand, the complement: TRIT1 is on the minus strand). VCF-style: chr1-39844110-C-T. GRCh37 (hg19) VCF-style: chr1-40309782-C-T.
Other names: c.1147G>A, p.Glu383Lys (NM_001312691.2); c.979G>A, p.Glu327Lys (NM_001312692.2); short protein forms E327K, E383K, E409K.
Identifiers: ClinVar variation 1201174 (VCV001201174.9), dbSNP rs764506732, ClinGen allele CA787875.